The following is an entry in ClinVar:

NM_004370.6(COL12A1):c.6330T>G (p.Asn2110Lys)

Gene: COL12A1 (collagen type XII alpha 1 chain; minus strand). Cytogenetic location: 6q13.
Variant type: single nucleotide variant.
Coding change: c.6330T>G on transcript NM_004370.6 (MANE Select); coding-DNA position 6330, T replaced by G.
Protein change: p.Asn2110Lys; replaces asparagine 2110 with lysine.
Molecular consequence: missense variant.
Genome position (GRCh38, 1-based): chr6:75,128,306, A>C on the plus strand (T>G on the coding strand, the complement: COL12A1 is on the minus strand). VCF-style: chr6-75128306-A-C. GRCh37 (hg19) VCF-style: chr6-75838022-A-C.
Other names: c.2838T>G, p.Asn946Lys (NM_080645.3); short protein forms N2110K, N946K.
Identifiers: ClinVar variation 1719372 (VCV001719372.6), dbSNP rs1766116297, ClinGen allele CA364730261.

ClinVar aggregate classification (germline): Uncertain significance (1 of 4 stars; one submission).

Conditions:
Ullrich congenital muscular dystrophy 2 (UCMD2). Identifiers: Orphanet 75840, MedGen C4225314, MONDO:0014654, OMIM 616470.
Bethlem myopathy 2 (BTHLM2). Identifiers: Orphanet 536516, Orphanet 610, MedGen C4225313, MONDO:0034022, OMIM 616471.

Submission:

Labcorp Genetics (formerly Invitae), Labcorp
Classification: Uncertain significance for Bethlem myopathy 2; Ullrich congenital muscular dystrophy 2. Last evaluated: 2024-01-09. Review status: criteria provided, single submitter. Criteria: Invitae Variant Classification Sherloc (09022015). Collection method: clinical testing. Allele origin: germline.
Comment: This sequence change replaces asparagine, which is neutral and polar, with lysine, which is basic and polar, at codon 2110 of the COL12A1 protein (p.Asn2110Lys). This variant is not present in population databases (gnomAD no frequency). This variant has not been reported in the literature in individuals affected with COL12A1-related conditions. ClinVar contains an entry for this variant (Variation ID: 1719372). Advanced modeling of protein sequence and biophysical properties (such as structural, functional, and spatial information, amino acid conservation, physicochemical variation, residue mobility, and thermodynamic stability) performed at Invitae indicates that this missense variant is not expected to disrupt COL12A1 protein function with a negative predictive value of 80%. In summary, the available evidence is currently insufficient to determine the role of this variant in disease. Therefore, it has been classified as a Variant of Uncertain Significance.